The following is an entry in ClinVar:

NM_004766.3(COPB2):c.1357G>A (p.Asp453Asn)

Gene: COPB2 (COPI coat complex subunit beta 2; minus strand). Cytogenetic location: 3q23.
Variant type: single nucleotide variant.
Coding change: c.1357G>A on transcript NM_004766.3 (MANE Select); coding-DNA position 1357, G replaced by A.
Protein change: p.Asp453Asn; replaces aspartic acid 453 with asparagine.
Molecular consequence: missense variant. On other transcripts: non-coding transcript variant (1).
Genome position (GRCh38, 1-based): chr3:139,369,305, C>T on the plus strand (G>A on the coding strand, the complement: COPB2 is on the minus strand). VCF-style: chr3-139369305-C-T. GRCh37 (hg19) VCF-style: chr3-139088147-C-T.
Other names: c.1270G>A, p.Asp424Asn (NM_001410834.1); short protein forms D424N, D453N.
Identifiers: ClinVar variation 2574248 (VCV002574248.1), dbSNP rs1409883884, ClinGen allele CA354754119.

ClinVar aggregate classification (germline): Uncertain significance (1 of 4 stars; one submission).

Submission:

GeneDx
Classification: Uncertain significance. Last evaluated: 2023-01-31. Review status: criteria provided, single submitter. Criteria: GeneDx Variant Classification Process June 2021. Collection method: clinical testing. Allele origin: germline. Affected: yes.
Comment: Not observed at significant frequency in large population cohorts (gnomAD); In silico analysis supports that this missense variant has a deleterious effect on protein structure/function; Has not been previously published as pathogenic or benign to our knowledge